The following is an entry in ClinVar:

ClinVar aggregate classification (germline): Likely benign (1 of 4 stars; one submission).

gnomAD v4.1: 192 of 1,583,198 alleles (0.012%); highest among the groups gnomAD compares: South Asian, 0.17%; 1 homozygote.

Submission:

CeGaT Center for Human Genetics Tuebingen
Classification: Likely benign. Last evaluated: 2025-11-01. Review status: criteria provided, single submitter. Criteria: CeGaT Center For Human Genetics Tuebingen Variant Classification Criteria Version 2. Collection method: clinical testing. Allele origin: germline. Affected: yes. Observed: 1 variant allele.
Comment: TIAM1: BP4, BP7

NM_001353694.2(TIAM1):c.1437C>T (p.Ser479=)

Gene: TIAM1 (TIAM Rac1 associated GEF 1; minus strand). Cytogenetic location: 21q22.11.
Variant type: single nucleotide variant.
Coding change: c.1437C>T on transcript NM_001353694.2 (MANE Select); coding-DNA position 1437, C replaced by T.
Protein change: p.Ser479=; no amino-acid change (serine 479 retained).
Molecular consequence: synonymous variant.
Genome position (GRCh38, 1-based): chr21:31,245,635, G>A on the plus strand (C>T on the coding strand, the complement: TIAM1 is on the minus strand). VCF-style: chr21-31245635-G-A. GRCh37 (hg19) VCF-style: chr21-32617951-G-A.
Other names: c.1437C>T, p.Ser479= (NM_001353686.2, NM_001353687.2, NM_001353688.1 and 6 more transcripts).
Identifiers: ClinVar variation 4533594 (VCV004533594.6).